The following is an entry in ClinVar:

ClinVar aggregate classification (germline): Conflicting classifications of pathogenicity. Review status: criteria provided, conflicting classifications (1 of 4 stars). 7 submissions from 7 submitters: Uncertain significance (5); Likely benign (2). Last evaluated 2025-12-19.

Conditions:
Hereditary breast ovarian cancer syndrome. Also called: Hereditary breast and ovarian cancer syndrome (HBOC); Breast and ovarian cancer; Hereditary breast and ovarian cancer syndrome; Hereditary breast and ovarian cancer; BRCA1- and BRCA2-Associated Hereditary Breast and Ovarian Cancer; Hereditary breast and/or ovarian cancer syndrome. Identifiers: Orphanet 145, MedGen C0677776, MeSH D061325, MONDO:0003582. Disease mechanism: loss of function.
Hereditary cancer-predisposing syndrome. Also called: Neoplastic Syndromes, Hereditary; Hereditary Cancer Syndrome; Tumor predisposition; Hereditary neoplastic syndrome. Identifiers: Orphanet 140162, MedGen C0027672, MeSH D009386, MONDO:0015356.
Breast-ovarian cancer, familial, susceptibility to, 2 (BROVCA2). Also called: BRCA2 Hereditary Breast and Ovarian Cancer. Identifiers: Orphanet 145, MedGen C2675520, MONDO:0012933, OMIM 612555. Disease mechanism: loss of function.

Allele frequency attached by ClinVar (database versions not stated): gnomAD exomes below 0.00001.
gnomAD v4.1: 1 of 1,588,958 alleles (0.000063%); highest among the groups gnomAD compares: Non-Finnish European, 0.000085%; no homozygotes.

Submissions (7):

Labcorp Genetics (formerly Invitae), Labcorp
Classification: Uncertain significance for Hereditary breast ovarian cancer syndrome. Last evaluated: 2025-12-19. Review status: criteria provided, single submitter. Criteria: Invitae Variant Classification Sherloc (09022015). Collection method: clinical testing. Allele origin: germline.
Comment: This sequence change replaces valine, which is neutral and non-polar, with isoleucine, which is neutral and non-polar, at codon 323 of the BRCA2 protein (p.Val323Ile). This variant is not present in population databases (gnomAD no frequency). This missense change has been observed in individual(s) with breast cancer (PMID: 35264596). ClinVar contains an entry for this variant (Variation ID: 584846). Invitae Evidence Modeling of protein sequence and biophysical properties (such as structural, functional, and spatial information, amino acid conservation, physicochemical variation, residue mobility, and thermodynamic stability) indicates that this missense variant is not expected to disrupt BRCA2 protein function with a negative predictive value of 95%. In summary, the available evidence is currently insufficient to determine the role of this variant in disease. Therefore, it has been classified as a Variant of Uncertain Significance.

Color Diagnostics, LLC DBA Color Health
Classification: Uncertain significance for Hereditary cancer-predisposing syndrome. Last evaluated: 2025-09-09. Review status: criteria provided, single submitter. Criteria: ACMG Guidelines, 2015. Collection method: clinical testing. Allele origin: germline.
Comment: This missense variant replaces valine with isoleucine at codon 323 of the BRCA2 protein. Computational prediction suggests that this variant may not impact protein structure and function. To our knowledge, functional studies have not been reported for this variant. This variant has been reported in an individual affected with breast cancer (PMID: 35264596). This variant has not been identified in the general population by the Genome Aggregation Database (gnomAD). The available evidence is insufficient to determine the role of this variant in disease conclusively. Therefore, this variant is classified as a Variant of Uncertain Significance.

Quest Diagnostics Nichols Institute San Juan Capistrano
Classification: Uncertain significance. Last evaluated: 2025-04-14. Review status: criteria provided, single submitter. Criteria: Quest Diagnostics criteria. Collection method: clinical testing. Allele origin: unknown.
Comment: The BRCA2 c.967G>A (p.Val323Ile) variant has been reported in the published literature in individuals with breast cancer (PMID: 35264596 (2022)), prostate cancer (PMID: 36922933 (2022)), in reportedly unaffected individuals (PMID: 32467295 (2020)), and described to be located in a region of the BRCA2 gene that is tolerant to missense sequence changes (PMID: 31911673 (2020)). This variant has not been reported in large, multi-ethnic general populations (Genome Aggregation Database). Analysis of this variant using bioinformatics tools for the prediction of the effect of amino acid changes on protein structure and function yielded predictions that this variant is benign. Based on the available information, we are unable to determine the clinical significance of this variant.

University of Washington Department of Laboratory Medicine, University of Washington
Classification: Likely benign for Hereditary cancer-predisposing syndrome. Last evaluated: 2023-03-23. Review status: criteria provided, single submitter. Criteria: Dines et al. (Genet Med. 2020). Collection method: curation. Allele origin: germline.
Comment: Missense variant in a coldspot region where missense variants are very unlikely to be pathogenic (PMID:31911673).

BRCA2 exon 10 coldspot. Reclassification based on statistical prior probability.

Women's Health and Genetics/Laboratory Corporation of America, LabCorp
Classification: Uncertain significance. Last evaluated: 2021-10-21. Review status: criteria provided, single submitter. Criteria: LabCorp Variant Classification Summary - May 2015. Collection method: clinical testing. Allele origin: germline.

Ambry Genetics
Classification: Likely benign for Hereditary cancer-predisposing syndrome. Last evaluated: 2020-10-30. Review status: criteria provided, single submitter. Criteria: Ambry Variant Classification Scheme 2023. Collection method: clinical testing. Allele origin: germline.

Mendelics
Classification: Uncertain significance for Breast-ovarian cancer, familial, susceptibility to, 2. Last evaluated: 2019-05-28. Review status: criteria provided, single submitter. Criteria: Mendelics Assertion Criteria 2017. Collection method: clinical testing. Allele origin: unknown.

Literature cited by the submitters: PubMed 35264596 (cited by 3 submitters); PubMed 36922933 (cited by Quest Diagnostics Nichols Institute San Juan Capistrano); PubMed 31911673 (cited by Quest Diagnostics Nichols Institute San Juan Capistrano); PubMed 32467295 (cited by Quest Diagnostics Nichols Institute San Juan Capistrano).

NM_000059.4(BRCA2):c.967G>A (p.Val323Ile)

Gene: BRCA2 (BRCA2 DNA repair associated; plus strand). Cytogenetic location: 13q13.1.
Variant type: single nucleotide variant.
Coding change: c.967G>A on transcript NM_000059.4 (MANE Select); coding-DNA position 967, G replaced by A.
Protein change: p.Val323Ile; replaces valine 323 with isoleucine.
Molecular consequence: missense variant.
Genome position (GRCh38, 1-based): chr13:32,332,445, G>A. VCF-style: chr13-32332445-G-A. GRCh37 (hg19) VCF-style: chr13-32906582-G-A.
Other names: short protein forms V323I.
Identifiers: ClinVar variation 584846 (VCV000584846.20), dbSNP rs1566222487, ClinGen allele CA387760906.